The following is an entry in ClinVar:

NM_002528.7(NTHL1):c.526-10T>G

Gene: NTHL1 (nth like DNA glycosylase 1; minus strand). Cytogenetic location: 16p13.3.
Variant type: single nucleotide variant.
Coding change: c.526-10T>G on transcript NM_002528.7 (MANE Select); 10 bases into the intron before coding-DNA position 526, T replaced by G.
Molecular consequence: intron variant.
Genome position (GRCh38, 1-based): chr16:2,043,736, A>C on the plus strand (T>G on the coding strand, the complement: NTHL1 is on the minus strand). VCF-style: chr16-2043736-A-C. GRCh37 (hg19) VCF-style: chr16-2093737-A-C.
Other names: c.550-10T>G (NM_002528.6); c.196-10T>G (NM_001318194.2); c.355-10T>G (NM_001318193.2).
Identifiers: ClinVar variation 1099014 (VCV001099014.14), dbSNP rs199771569, ClinGen allele CA276763932.

ClinVar aggregate classification (germline): Conflicting classifications of pathogenicity. Review status: criteria provided, conflicting classifications (1 of 4 stars). 3 submissions from 3 submitters: Uncertain significance (2); Likely benign (1). Last evaluated 2026-01-20.

gnomAD v4.1: 46 of 1,610,740 alleles (0.0029%); highest among the groups gnomAD compares: Non-Finnish European, 0.0039%; no homozygotes.

Submissions (3):

Labcorp Genetics (formerly Invitae), Labcorp
Classification: Likely benign. Last evaluated: 2026-01-20. Review status: criteria provided, single submitter. Criteria: Invitae Variant Classification Sherloc (09022015). Collection method: clinical testing. Allele origin: germline.

Quest Diagnostics Nichols Institute San Juan Capistrano
Classification: Uncertain significance. Last evaluated: 2023-12-06. Review status: criteria provided, single submitter. Criteria: Quest Diagnostics criteria. Collection method: clinical testing. Allele origin: unknown.
Comment: The NTHL1 c.550-10T>G variant has not been reported in individuals with NTHL1-related conditions in the published literature. The frequency of this variant in the general population, 0.000004 (1/247922 chromosomes (Genome Aggregation Database)), is uninformative in the assessment of its pathogenicity. Analysis of this variant using software algorithms for the prediction of the effect of nucleotide changes on NTHL1 mRNA splicing yielded inconclusive findings. Based on the available information, we are unable to determine the clinical significance of this variant.

GeneDx
Classification: Uncertain significance. Last evaluated: 2019-04-18. Review status: criteria provided, single submitter. Criteria: GeneDx Variant Classification Process June 2021. Collection method: clinical testing. Allele origin: germline. Affected: yes.
Comment: Not observed at a significant frequency in large population cohorts (Lek et al., 2016); In silico analysis, which includes splice predictors and evolutionary conservation, supports a deleterious effect; Has not been previously published as pathogenic or benign to our knowledge